The following is an entry in ClinVar:

ClinVar aggregate classification (germline): Pathogenic (1 of 4 stars; one submission).

Submission:

Labcorp Genetics (formerly Invitae), Labcorp
Classification: Pathogenic. Last evaluated: 2024-04-30. Review status: criteria provided, single submitter. Criteria: Invitae Variant Classification Sherloc (09022015). Collection method: clinical testing. Allele origin: germline.
Comment: This sequence change creates a premature translational stop signal (p.Asp197Alafs*29) in the CYP11A1 gene. It is expected to result in an absent or disrupted protein product. Loss-of-function variants in CYP11A1 are known to be pathogenic (PMID: 15507506, 22435390, 27855232, 229968487). This variant is not present in population databases (gnomAD no frequency). This variant has not been reported in the literature in individuals affected with CYP11A1-related conditions. For these reasons, this variant has been classified as Pathogenic.

Literature cited by the submitters: PubMed 15507506; PubMed 22435390; PubMed 27855232; PubMed 229968487.

NM_000781.3(CYP11A1):c.590del (p.Asp197fs)

Gene: CYP11A1 (cytochrome P450 family 11 subfamily A member 1; minus strand). Cytogenetic location: 15q24.1.
Variant type: Deletion.
Coding change: c.590del on transcript NM_000781.3 (MANE Select); coding-DNA position 590, one base deleted (A; older notation c.590delA).
Protein change: p.Asp197fs; shifts the reading frame from aspartic acid 197.
Molecular consequence: frameshift variant.
Genome position (GRCh38, 1-based): chr15:74,345,079, T deleted on the plus strand (A on the coding strand, the reverse complement: CYP11A1 is on the minus strand). VCF-style (leftmost placement, unchanged base first): chr15-74345078-GT-G. GRCh37 (hg19) VCF-style: chr15-74637419-GT-G.
Other names: c.116del, p.Asp39fs (NM_001099773.2); short protein forms D197fs, D39fs.
Identifiers: ClinVar variation 3631434 (VCV003631434.1).